The following is an entry in ClinVar:

ClinVar aggregate classification (germline): Pathogenic (1 of 4 stars; one submission).

Conditions:
Telangiectasia, hereditary hemorrhagic, type 2 (HHT2). Also called: ACVRL1-Related Hereditary Hemorrhagic Telangiectasia; Telangiectasia, hereditary hemorrhagic, type II. Identifiers: Orphanet 774, MedGen C1838163, MONDO:0010880, OMIM 600376. Disease mechanism: loss of function.

Submission:

Labcorp Genetics (formerly Invitae), Labcorp
Classification: Pathogenic for Telangiectasia, hereditary hemorrhagic, type 2. Last evaluated: 2024-08-28. Review status: criteria provided, single submitter. Criteria: Invitae Variant Classification Sherloc (09022015). Collection method: clinical testing. Allele origin: germline.
Comment: This variant, c.1230_1244del, results in the deletion of 5 amino acid(s) of the ACVRL1 protein (p.Arg411_Asn415del), but otherwise preserves the integrity of the reading frame. This variant is not present in population databases (gnomAD no frequency). This variant has not been reported in the literature in individuals affected with ACVRL1-related conditions. This variant disrupts a region of the ACVRL1 protein in which other variant(s) (p.Arg411Trp) have been determined to be pathogenic (PMID: 11484689, 15024723, 15880681). This suggests that this is a clinically significant region of the protein, and that variants that disrupt it are likely to be disease-causing. For these reasons, this variant has been classified as Pathogenic.

Literature cited by the submitters: PubMed 11484689; PubMed 15024723; PubMed 15880681.

NM_000020.3(ACVRL1):c.1230_1244del (p.Arg411_Asn415del)

Gene: ACVRL1 (activin A receptor like type 1; plus strand). Cytogenetic location: 12q13.13.
Variant type: Deletion.
Coding change: c.1230_1244del on transcript NM_000020.3 (MANE Select); coding-DNA positions 1230 to 1244, 15 bases deleted (CCGGACCATCGTGAA).
Protein change: p.Arg411_Asn415del.
Molecular consequence: intron variant (on NM_001406494.1).
Genome position (GRCh38, 1-based): chr12:51,916,217-51,916,231, CCGGACCATCGTGAA deleted. VCF-style (leftmost placement, unchanged base first): chr12-51916216-GCCGGACCATCGTGAA-G. GRCh37 (hg19) VCF-style: chr12-52310000-GCCGGACCATCGTGAA-G.
Other names: c.666_680del, p.Arg223_Asn227del (NM_001406495.1); c.736+717_736+731del (NM_001406494.1); c.1230_1244del, p.Arg411_Asn415del (NM_001077401.2, NM_001406487.1, NM_001406488.1 and 1 more transcripts); c.918_932del, p.Arg307_Asn311del (NM_001406490.1, NM_001406491.1, NM_001406492.1 and 1 more transcripts).
Identifiers: ClinVar variation 3663766 (VCV003663766.2).